The following is an entry in ClinVar:

ClinVar aggregate classification (germline): Conflicting classifications of pathogenicity. Review status: criteria provided, conflicting classifications (1 of 4 stars). 3 submissions from 3 submitters: Uncertain significance (2); Likely benign (1). Last evaluated 2026-01-05.

Conditions:
Cardiovascular phenotype. Identifiers: MedGen CN230736.
RASopathy. Also called: rasopathies; Noonan spectrum disorder. Identifiers: Orphanet 536391, MedGen C5555857, MONDO:0021060.

Allele frequency attached by ClinVar (database versions not stated): gnomAD 0.00001 and 0.00003; TOPMed 0.00001; 1000 Genomes Project 0.00040; gnomAD exomes 0.00002; 1000 Genomes Project 30x 0.00031.
gnomAD v4.1: 32 of 1,612,302 alleles (0.002%); highest among the groups gnomAD compares: East Asian, 0.011%; no homozygotes.

Submissions (3):

Labcorp Genetics (formerly Invitae), Labcorp
Classification: Likely benign for RASopathy. Last evaluated: 2026-01-05. Review status: criteria provided, single submitter. Criteria: Invitae Variant Classification Sherloc (09022015). Collection method: clinical testing. Allele origin: germline.

Ambry Genetics
Classification: Uncertain significance for Cardiovascular phenotype. Last evaluated: 2025-09-24. Review status: criteria provided, single submitter. Criteria: Ambry Variant Classification Scheme 2023. Collection method: clinical testing. Allele origin: germline.
Comment: The p.R333C variant (also known as c.997C>T), located in coding exon 9 of the RAF1 gene, results from a C to T substitution at nucleotide position 997. The arginine at codon 333 is replaced by cysteine, an amino acid with highly dissimilar properties. This amino acid position is well conserved in available vertebrate species. In addition, the in silico prediction for this alteration is inconclusive. Based on the available evidence, the clinical significance of this variant remains unclear.

Blueprint Genetics
Classification: Uncertain significance. Last evaluated: 2018-12-18. Review status: criteria provided, single submitter. Criteria: ACMG Guidelines, 2015. Collection method: clinical testing. Allele origin: germline.

NM_002880.4(RAF1):c.997C>T (p.Arg333Cys)

Gene: RAF1 (Raf-1 proto-oncogene, serine/threonine kinase; minus strand). Cytogenetic location: 3p25.2.
Variant type: single nucleotide variant.
Coding change: c.997C>T on transcript NM_002880.4 (MANE Select); coding-DNA position 997, C replaced by T.
Protein change: p.Arg333Cys; replaces arginine 333 with cysteine.
Molecular consequence: missense variant. On other transcripts: non-coding transcript variant (3).
Genome position (GRCh38, 1-based): chr3:12,599,802, G>A on the plus strand (C>T on the coding strand, the complement: RAF1 is on the minus strand). VCF-style: chr3-12599802-G-A. GRCh37 (hg19) VCF-style: chr3-12641301-G-A.
Other names: c.1057C>T, p.Arg353Cys (NM_001354689.3); c.997C>T, p.Arg333Cys (NM_001354690.3); c.754C>T, p.Arg252Cys (NM_001354691.3, NM_001354692.3); c.898C>T, p.Arg300Cys (NM_001354693.3); c.814C>T, p.Arg272Cys (NM_001354694.3); c.655C>T, p.Arg219Cys (NM_001354695.3); short protein forms R333C, R219C, R272C, R252C, R300C, R353C.
Identifiers: ClinVar variation 411094 (VCV000411094.12), dbSNP rs551466727, ClinGen allele CA16611135.